The following is an entry in ClinVar:

ClinVar aggregate classification (germline): Benign/Likely benign. Review status: criteria provided, multiple submitters, no conflicts (2 of 4 stars). 9 submissions from 9 submitters: Benign (6); Likely benign (2). 1 of the submissions does not count toward it. Last evaluated 2026-02-04.

Conditions:
FAMILIAL COLD AUTOINFLAMMATORY SYNDROME 2, SUSCEPTIBILITY TO.
Autoinflammatory syndrome. Identifiers: Orphanet 93665, MedGen C3890737, MONDO:0019751.
Familial cold autoinflammatory syndrome 2 (FCAS2). Identifiers: Orphanet 247868, MedGen C2673198, MONDO:0012724, OMIM 611762.

Allele frequency attached by ClinVar (database versions not stated): 1000 Genomes Project 30x 0.02639; 1000 Genomes Project 0.02696; TOPMed 0.04828; gnomAD 0.05059 and 0.05162; ESP Exome Variant Server 0.05113; ExAC 0.05198.
gnomAD v4.1: 104,782 of 1,614,042 alleles (6.5%); highest among the groups gnomAD compares: Non-Finnish European, 7.7%; 3,946 homozygotes.

Submissions (9):

Labcorp Genetics (formerly Invitae), Labcorp
Classification: Benign for Familial cold autoinflammatory syndrome 2. Last evaluated: 2026-02-04. Review status: criteria provided, single submitter. Criteria: Invitae Variant Classification Sherloc (09022015). Collection method: clinical testing. Allele origin: germline.

Women's Health and Genetics/Laboratory Corporation of America, LabCorp
Classification: Likely benign. Last evaluated: 2026-01-21. Review status: criteria provided, single submitter. Criteria: LabCorp Variant Classification Summary - May 2015. Collection method: clinical testing. Allele origin: germline.

ARUP Laboratories, Molecular Genetics and Genomics, ARUP Laboratories
Classification: Benign for Familial cold autoinflammatory syndrome 2. Last evaluated: 2025-07-29. Review status: criteria provided, single submitter. Criteria: ARUP Molecular Germline Variant Investigation Process 2024. Collection method: clinical testing. Allele origin: germline.

Blueprint Genetics
Classification: Likely benign. Last evaluated: 2024-11-28. Review status: criteria provided, single submitter. Criteria: ACMG Guidelines, 2015. Collection method: clinical testing. Allele origin: germline.

Genome Diagnostics Laboratory, The Hospital for Sick Children
Classification: Benign for Autoinflammatory syndrome. Last evaluated: 2022-01-14. Review status: criteria provided, single submitter. Criteria: ACMG Guidelines, 2015. Collection method: clinical testing. Allele origin: germline. Affected: yes.

Mayo Clinic Laboratories, Mayo Clinic
Classification: Benign. Last evaluated: 2018-04-20. Review status: criteria provided, single submitter. Criteria: ACMG Guidelines, 2015. Collection method: clinical testing. Allele origin: germline. Observed: 125 variant alleles.

Breakthrough Genomics
Classification: Benign. Review status: criteria provided, single submitter. Criteria: ACMG Guidelines, 2015. Collection method: not provided. Allele origin: germline. Inheritance: Autosomal dominant inheritance. Affected: yes.

PreventionGenetics, part of Exact Sciences
Classification: Benign. Review status: criteria provided, single submitter. Criteria: ACMG Guidelines, 2015. Collection method: clinical testing. Allele origin: germline.

OMIM
Classification: risk factor for FAMILIAL COLD AUTOINFLAMMATORY SYNDROME 2, SUSCEPTIBILITY TO. Last evaluated: 2018-05-15. Review status: no assertion criteria provided. Collection method: literature only. Allele origin: germline. Not counted in ClinVar's aggregate classification.

Literature cited by the submitters: PubMed 24064030 (cited by OMIM); PubMed 27633793 (cited by OMIM); PubMed 27314497 (cited by OMIM).

NM_144687.4(NLRP12):c.1206C>G (p.Phe402Leu)

Gene: NLRP12 (NLR family pyrin domain containing 12; minus strand). Cytogenetic location: 19q13.42.
Variant type: single nucleotide variant.
Coding change: c.1206C>G on transcript NM_144687.4 (MANE Select); coding-DNA position 1206, C replaced by G.
Protein change: p.Phe402Leu; replaces phenylalanine 402 with leucine.
Molecular consequence: missense variant.
Genome position (GRCh38, 1-based): chr19:53,810,453, G>C on the plus strand (C>G on the coding strand, the complement: NLRP12 is on the minus strand). VCF-style: chr19-53810453-G-C. GRCh37 (hg19) VCF-style: chr19-54313707-G-C.
Other names: c.1206C>G, p.Phe402Leu (NM_001277126.2, NM_001277129.1); short protein forms F402L.
Identifiers: ClinVar variation 262529 (VCV000262529.37), dbSNP rs34971363, ClinGen allele CA9639499.